The following is an entry in ClinVar:

NM_014003.4(DHX38):c.826G>A (p.Glu276Lys)

Gene: DHX38 (DEAH-box helicase 38; plus strand). Cytogenetic location: 16q22.2.
Variant type: single nucleotide variant.
Coding change: c.826G>A on transcript NM_014003.4 (MANE Select); coding-DNA position 826, G replaced by A.
Protein change: p.Glu276Lys; replaces glutamic acid 276 with lysine.
Molecular consequence: missense variant.
Genome position (GRCh38, 1-based): chr16:72,098,988, G>A. VCF-style: chr16-72098988-G-A. GRCh37 (hg19) VCF-style: chr16-72132887-G-A.
Other names: short protein forms E276K.
Identifiers: ClinVar variation 1471676 (VCV001471676.7), dbSNP rs557237564, ClinGen allele CA283677396.
Genomic context (GRCh38, chr16:72,098,988, plus strand): 5'-TCTGTGAGGGGCAAGTACTCGGATGACACGCCTCTGCCAACTCCCTCCTACAAATATAAC[G>A]AGTGGGCCGATGACAGAAGACACTTGGGGTCCACCCCGCGTCTGTCCAGGGGCCGAGGTG-3'
Protein context (NP_054722.2, residues 266-286): PLPTPSYKYN[Glu276Lys]WADDRRHLGS

ClinVar aggregate classification (germline): Uncertain significance (1 of 4 stars; one submission).

Allele frequency attached by ClinVar (database versions not stated): gnomAD exomes below 0.00001; TOPMed below 0.00001.

Submission:

Labcorp Genetics (formerly Invitae), Labcorp
Classification: Uncertain significance. Last evaluated: 2021-04-02. Review status: criteria provided, single submitter. Criteria: Invitae Variant Classification Sherloc (09022015). Collection method: clinical testing. Allele origin: germline.
Comment: In summary, the available evidence is currently insufficient to determine the role of this variant in disease. Therefore, it has been classified as a Variant of Uncertain Significance. Algorithms developed to predict the effect of missense changes on protein structure and function are either unavailable or do not agree on the potential impact of this missense change (SIFT: "Deleterious"; PolyPhen-2: "Benign"; Align-GVGD: "Class C15"). This sequence change replaces glutamic acid with lysine at codon 276 of the DHX38 protein (p.Glu276Lys). The glutamic acid residue is highly conserved and there is a small physicochemical difference between glutamic acid and lysine. This variant is not present in population databases (ExAC no frequency). This variant has not been reported in the literature in individuals with DHX38-related conditions.